The following is an entry in ClinVar:

NM_015001.3(SPEN):c.8412G>A (p.Ala2804=)

Gene: SPEN (spen family transcriptional repressor; plus strand). Cytogenetic location: 1p36.13.
Variant type: single nucleotide variant.
Coding change: c.8412G>A on transcript NM_015001.3 (MANE Select); coding-DNA position 8412, G replaced by A.
Protein change: p.Ala2804=; no amino-acid change (alanine 2804 retained).
Molecular consequence: synonymous variant.
Genome position (GRCh38, 1-based): chr1:15,934,652, G>A. VCF-style: chr1-15934652-G-A. GRCh37 (hg19) VCF-style: chr1-16261147-G-A.
Identifiers: ClinVar variation 2638338 (VCV002638338.24), dbSNP rs140791693, ClinGen allele CA620289.

ClinVar aggregate classification (germline): Likely benign (1 of 4 stars; one submission).

Allele frequency attached by ClinVar (database versions not stated): ExAC 0.00017; gnomAD 0.00032; TOPMed 0.00036; 1000 Genomes Project 0.00040; 1000 Genomes Project 30x 0.00047; ESP Exome Variant Server 0.00062.
gnomAD v4.1: 130 of 1,614,028 alleles (0.0081%); highest among the groups gnomAD compares: African/African-American, 0.13%; no homozygotes.

Submission:

CeGaT Center for Human Genetics Tuebingen
Classification: Likely benign. Last evaluated: 2023-01-01. Review status: criteria provided, single submitter. Criteria: CeGaT Center For Human Genetics Tuebingen Variant Classification Criteria Version 2. Collection method: clinical testing. Allele origin: germline. Affected: yes. Observed: 1 variant allele.
Comment: SPEN: BP4, BP7, BS1